The following is an entry in ClinVar:

NM_001447.3(FAT2):c.1758G>A (p.Met586Ile)

Gene: FAT2 (FAT atypical cadherin 2; minus strand). Cytogenetic location: 5q33.1.
Variant type: single nucleotide variant.
Coding change: c.1758G>A on transcript NM_001447.3 (MANE Select); coding-DNA position 1758, G replaced by A.
Protein change: p.Met586Ile; replaces methionine 586 with isoleucine.
Molecular consequence: missense variant.
Genome position (GRCh38, 1-based): chr5:151,567,174, C>T on the plus strand (G>A on the coding strand, the complement: FAT2 is on the minus strand). VCF-style: chr5-151567174-C-T. GRCh37 (hg19) VCF-style: chr5-150946735-C-T.
Other names: short protein forms M586I.
Identifiers: ClinVar variation 4812069 (VCV004812069.1).

ClinVar aggregate classification (germline): Uncertain significance (1 of 4 stars; one submission).

gnomAD v4.1: 4 of 1,614,070 alleles (0.00025%); highest among the groups gnomAD compares: South Asian, 0.0044%; no homozygotes.

Submission:

Labcorp Genetics (formerly Invitae), Labcorp
Classification: Uncertain significance. Last evaluated: 2026-01-08. Review status: criteria provided, single submitter. Criteria: Invitae Variant Classification Sherloc (09022015). Collection method: clinical testing. Allele origin: germline.
Comment: This sequence change replaces methionine, which is neutral and non-polar, with isoleucine, which is neutral and non-polar, at codon 586 of the FAT2 protein (p.Met586Ile). This variant is not present in population databases (gnomAD no frequency). This variant has not been reported in the literature in individuals affected with FAT2-related conditions. An algorithm developed to predict the effect of missense changes on protein structure and function outputs the following: PolyPhen-2: "Benign". The isoleucine amino acid residue is found in multiple mammalian species, which suggests that this missense change does not adversely affect protein function. In summary, the available evidence is currently insufficient to determine the role of this variant in disease. Therefore, it has been classified as a Variant of Uncertain Significance.